The following is an entry in ClinVar:

ClinVar aggregate classification (germline): Benign/Likely benign. Review status: criteria provided, multiple submitters, no conflicts (2 of 4 stars). 4 submissions from 4 submitters: Benign (3); Likely benign (1). Last evaluated 2024-09-01.

Conditions:
Congenital fibrosis of extraocular muscles type 1. Also called: OPHTHALMOPLEGIA, CONGENITAL; BLEPHAROPTOSIS WITH ABSENT EYE MOVEMENTS; CFEOM3B; FEOM1 LOCUS. Identifiers: MedGen C1851102, MONDO:0021083, OMIM 135700.

Allele frequency attached by ClinVar (database versions not stated): ESP Exome Variant Server 0.00008; gnomAD 0.00045 and 0.00074; gnomAD exomes 0.00062 and 0.00148; TOPMed 0.00091; ExAC 0.00151; 1000 Genomes Project 30x 0.00344; 1000 Genomes Project 0.00359.
gnomAD v4.1: 1,029 of 1,613,278 alleles (0.064%); highest among the groups gnomAD compares: East Asian, 1.3%; 8 homozygotes.

Submissions (4):

CeGaT Center for Human Genetics Tuebingen
Classification: Likely benign. Last evaluated: 2024-09-01. Review status: criteria provided, single submitter. Criteria: CeGaT Center For Human Genetics Tuebingen Variant Classification Criteria Version 2. Collection method: clinical testing. Allele origin: germline. Affected: yes. Observed: 1 variant allele.
Comment: KIF21A: BP4, BP7, BS1

Labcorp Genetics (formerly Invitae), Labcorp
Classification: Benign. Last evaluated: 2018-06-20. Review status: criteria provided, single submitter. Criteria: Invitae Variant Classification Sherloc (09022015). Collection method: clinical testing. Allele origin: germline.

Illumina Laboratory Services, Illumina
Classification: Benign for Congenital fibrosis of extraocular muscles type 1. Last evaluated: 2018-01-13. Review status: criteria provided, single submitter. Criteria: ICSL Variant Classification Criteria 13 December 2019. Collection method: clinical testing. Allele origin: germline.
Comment: This variant was observed in the ICSL laboratory as part of a predisposition screen in an ostensibly healthy population. It had not been previously curated by ICSL or reported in the Human Gene Mutation Database (HGMD: prior to June 1st, 2018), and was therefore a candidate for classification through an automated scoring system. Utilizing variant allele frequency, disease prevalence and penetrance estimates, and inheritance mode, an automated score was calculated to assess if this variant is too frequent to cause the disease. Based on the score and internal cut-off values, a variant classified as benign is not then subjected to further curation. The score for this variant resulted in a classification of benign for this disease.

Breakthrough Genomics
Classification: Benign. Review status: criteria provided, single submitter. Criteria: ACMG Guidelines, 2015. Collection method: not provided. Allele origin: germline. Inheritance: Autosomal dominant inheritance. Affected: yes.

NM_001173464.2(KIF21A):c.975T>C (p.Asp325=)

Gene: KIF21A (kinesin family member 21A; minus strand). Cytogenetic location: 12q12.
Variant type: single nucleotide variant.
Coding change: c.975T>C on transcript NM_001173464.2 (MANE Select); coding-DNA position 975, T replaced by C.
Protein change: p.Asp325=; no amino-acid change (aspartic acid 325 retained).
Molecular consequence: synonymous variant.
Genome position (GRCh38, 1-based): chr12:39,363,142, A>G on the plus strand (T>C on the coding strand, the complement: KIF21A is on the minus strand). VCF-style: chr12-39363142-A-G. GRCh37 (hg19) VCF-style: chr12-39756944-A-G.
Other names: c.975T>C, p.Asp325= (NM_001173463.2, NM_001173465.2, NM_017641.4).
Identifiers: ClinVar variation 308586 (VCV000308586.22), dbSNP rs143790968, ClinGen allele CA6511147.